The following is an entry in ClinVar:

NM_001080467.3(MYO5B):c.1712C>T (p.Thr571Met)

Gene: MYO5B (myosin VB; minus strand). Cytogenetic location: 18q21.1.
Variant type: single nucleotide variant.
Coding change: c.1712C>T on transcript NM_001080467.3 (MANE Select); coding-DNA position 1712, C replaced by T.
Protein change: p.Thr571Met; replaces threonine 571 with methionine.
Molecular consequence: missense variant.
Genome position (GRCh38, 1-based): chr18:49,953,300, G>A on the plus strand (C>T on the coding strand, the complement: MYO5B is on the minus strand). VCF-style: chr18-49953300-G-A. GRCh37 (hg19) VCF-style: chr18-47479670-G-A.
Other names: c.1712C>T (NM_001080467.2); short protein forms T571M.
Identifiers: ClinVar variation 1980587 (VCV001980587.2), dbSNP rs749679237, ClinGen allele CA8961412.

ClinVar aggregate classification (germline): Uncertain significance. Review status: criteria provided, multiple submitters, no conflicts (2 of 4 stars). 2 submissions from 2 submitters: Uncertain significance (2). Last evaluated 2025-02-27.

Conditions:
Inborn genetic diseases. Identifiers: MedGen C0950123, MeSH D030342.

Allele frequency attached by ClinVar (database versions not stated): gnomAD 0.00001; gnomAD exomes 0.00001; TOPMed 0.00001; ExAC 0.00002.
gnomAD v4.1: 20 of 1,613,904 alleles (0.0012%); highest among the groups gnomAD compares: East Asian, 0.0089%; no homozygotes.

Submissions (2):

Ambry Genetics
Classification: Uncertain significance for Inborn genetic diseases. Last evaluated: 2025-02-27. Review status: criteria provided, single submitter. Criteria: Ambry Variant Classification Scheme 2023. Collection method: clinical testing. Allele origin: germline.

Labcorp Genetics (formerly Invitae), Labcorp
Classification: Uncertain significance. Last evaluated: 2022-06-23. Review status: criteria provided, single submitter. Criteria: Invitae Variant Classification Sherloc (09022015). Collection method: clinical testing. Allele origin: germline.
Comment: This sequence change replaces threonine, which is neutral and polar, with methionine, which is neutral and non-polar, at codon 571 of the MYO5B protein (p.Thr571Met). This variant is present in population databases (rs749679237, gnomAD 0.01%). This variant has not been reported in the literature in individuals affected with MYO5B-related conditions. Algorithms developed to predict the effect of missense changes on protein structure and function are either unavailable or do not agree on the potential impact of this missense change (SIFT: "Deleterious"; PolyPhen-2: "Probably Damaging"; Align-GVGD: "Class C0"). In summary, the available evidence is currently insufficient to determine the role of this variant in disease. Therefore, it has been classified as a Variant of Uncertain Significance.